The following is an entry in ClinVar:

NM_001267550.2(TTN):c.20964G>A (p.Leu6988=)

Genes: TTN (titin; minus strand), LOC126806428 (BRD4-independent group 4 enhancer GRCh37_chr2:179588362-179589561; plus strand). Cytogenetic location: 2q31.2.
Variant type: single nucleotide variant.
Coding change: c.20964G>A on transcript NM_001267550.2 (MANE Select); coding-DNA position 20964, G replaced by A.
Protein change: p.Leu6988=; no amino-acid change (leucine 6988 retained).
Molecular consequence: synonymous variant. On other transcripts: intron variant (3).
Genome position (GRCh38, 1-based): chr2:178,724,411, C>T on the plus strand (G>A on the coding strand, the complement: TTN is on the minus strand). VCF-style: chr2-178724411-C-T. GRCh37 (hg19) VCF-style: chr2-179589138-C-T.
Other names: c.20013G>A, p.Leu6671= (NM_001256850.1); c.17232G>A, p.Leu5744= (NM_133378.4); c.13282+13671G>A (NM_003319.4); c.13858+13671G>A (NM_133437.4); c.13657+13671G>A (NM_133432.3).
Identifiers: ClinVar variation 512585 (VCV000512585.3), dbSNP rs1553914054, ClinGen allele CA430289541.
Genomic context (GRCh38, chr2:178,724,411, plus strand): 5'-GAGAATCCTTAAGGAAGAGATTTTGTTGTAGAAGCTAAATTTGTGTTTTTGGCTGCTGGT[C>T]AACAGCTTTCCATCCTTGTACCATTCAACAGAGAGTTCCGGAGTGCCAGCCACCTTACAC-3'
Protein context (NP_001254479.2, residues 6978-6998): SVEWYKDGKL[Leu6988=]TSSQKHKFSF

ClinVar aggregate classification (germline): Likely benign. Review status: criteria provided, multiple submitters, no conflicts (2 of 4 stars). 2 submissions from 2 submitters: Likely benign (2). Last evaluated 2025-01-23.

Conditions:
Autosomal recessive limb-girdle muscular dystrophy type 2J (LGMDR10). Also called: MUSCULAR DYSTROPHY, LIMB-GIRDLE, AUTOSOMAL RECESSIVE 10; Limb-girdle muscular dystrophy, type 2J. Identifiers: Orphanet 140922, MedGen C1837342, MONDO:0012127, OMIM 608807.
Dilated cardiomyopathy 1G (CMD1G). Identifiers: Orphanet 154, MedGen C1858763, MONDO:0011400, OMIM 604145.

Allele frequency attached by ClinVar (database versions not stated): gnomAD exomes below 0.00001.
gnomAD v4.1: 2 of 1,613,520 alleles (0.00012%); highest among the groups gnomAD compares: East Asian, 0.0045%; no homozygotes.

Submissions (2):

Labcorp Genetics (formerly Invitae), Labcorp
Classification: Likely benign for Dilated cardiomyopathy 1G; Autosomal recessive limb-girdle muscular dystrophy type 2J. Last evaluated: 2025-01-23. Review status: criteria provided, single submitter. Criteria: Invitae Variant Classification Sherloc (09022015). Collection method: clinical testing. Allele origin: germline.

GeneDx
Classification: Likely benign. Last evaluated: 2017-10-03. Review status: criteria provided, single submitter. Criteria: GeneDx Variant Classification (06012015). Collection method: clinical testing. Allele origin: germline. Affected: yes.
Comment: This variant is considered likely benign or benign based on one or more of the following criteria: it is a conservative change, it occurs at a poorly conserved position in the protein, it is predicted to be benign by multiple in silico algorithms, and/or has population frequency not consistent with disease.